The following is an entry in ClinVar:

NM_001807.6(CEL):c.851G>C (p.Arg284Pro)

Gene: CEL (carboxyl ester lipase; plus strand). Cytogenetic location: 9q34.13.
Variant type: single nucleotide variant.
Coding change: c.851G>C on transcript NM_001807.6 (MANE Select); coding-DNA position 851, G replaced by C.
Protein change: p.Arg284Pro; replaces arginine 284 with proline.
Molecular consequence: missense variant.
Genome position (GRCh38, 1-based): chr9:133,067,161, G>C. VCF-style: chr9-133067161-G-C. GRCh37 (hg19) VCF-style: chr9-135942548-G-C.
Other names: short protein forms R284P.
Identifiers: ClinVar variation 4685607 (VCV004685607.1).

ClinVar aggregate classification (germline): Uncertain significance (1 of 4 stars; one submission).

Conditions:
Maturity-onset diabetes of the young type 8 (MODY8). Also called: DIABETES-PANCREATIC EXOCRINE DYSFUNCTION SYNDROME; DIABETES AND PANCREATIC EXOCRINE DYSFUNCTION. Identifiers: Orphanet 552, MedGen C1853297, MONDO:0012348, OMIM 609812.

Submission:

ARUP Laboratories, Molecular Genetics and Genomics, ARUP Laboratories
Classification: Uncertain significance for Maturity-onset diabetes of the young type 8. Last evaluated: 2025-02-06. Review status: criteria provided, single submitter. Criteria: ARUP Molecular Germline Variant Investigation Process 2024. Collection method: clinical testing. Allele origin: germline.
Comment: The CEL c.851G>C; p.Arg284Pro variant, to our knowledge, is not reported in the medical literature or gene specific databases. This variant is also absent from the Genome Aggregation Database (v2.1.1), indicating it is not a common polymorphism. Computational analyses are uncertain whether this variant is neutral or deleterious (REVEL: 0.403). Due to limited information, the clinical significance of this variant is uncertain at this time.